The following is an entry in ClinVar:

ClinVar aggregate classification (germline): Pathogenic (1 of 4 stars; one submission).

Conditions:
Androgen resistance syndrome (AIS). Also called: ANDROGEN RECEPTOR DEFICIENCY; DHTR DEFICIENCY; DIHYDROTESTOSTERONE RECEPTOR DEFICIENCY; TESTICULAR FEMINIZATION SYNDROME; Androgen insensitivity syndrome; Androgen insensitivity, complete. Identifiers: Orphanet 754, Orphanet 99429, MedGen C0039585, MONDO:0019154, OMIM 300068. Disease mechanism: loss of function.

Submission:

Clinical Genetics Laboratory, University Hospital Schleswig-Holstein
Classification: Pathogenic for Androgen resistance syndrome. Last evaluated: 2025-12-15. Review status: criteria provided, single submitter. Criteria: ACMG Guidelines, 2015. Collection method: clinical testing. Allele origin: germline. Affected: yes. Observed: 1 hemizygote.
Comment: ACMG criteria applied: PM2, PVS1

NM_000044.6(AR):c.870C>A (p.Cys290Ter)

Gene: AR (androgen receptor; plus strand). Cytogenetic location: Xq12.
Variant type: single nucleotide variant.
Coding change: c.870C>A on transcript NM_000044.6 (MANE Select); coding-DNA position 870, C replaced by A.
Protein change: p.Cys290Ter; replaces cysteine 290 with a stop codon.
Molecular consequence: nonsense. On other transcripts: 5 prime UTR variant (1).
Genome position (GRCh38, 1-based): chrX:67,546,016, C>A. VCF-style: chrX-67546016-C-A. GRCh37 (hg19) VCF-style: chrX-66765858-C-A.
Other names: c.-914C>A (NM_001011645.3); c.870C>A, p.Cys290Ter (NM_001348061.1, NM_001348063.1, NM_001348064.1); short protein forms C290*.
Identifiers: ClinVar variation 4891545 (VCV004891545.1).
Genomic context (GRCh38, chrX:67,546,016, plus strand): 5'-CCCACTTTTGGGAGTTCCACCCGCTGTGCGTCCCACTCCTTGTGCCCCATTGGCCGAATG[C>A]AAAGGTTCTCTGCTAGACGACAGCGCAGGCAAGAGCACTGAAGATACTGCTGAGTATTCC-3'